The following is an entry in ClinVar:

NM_000075.4(CDK4):c.808C>T (p.Gln270Ter)

Genes: CDK4 (cyclin dependent kinase 4; minus strand), TSPAN31 (tetraspanin 31; plus strand). Cytogenetic location: 12q14.1.
Variant type: single nucleotide variant.
Coding change: c.808C>T on transcript NM_000075.4 (MANE Select); coding-DNA position 808, C replaced by T.
Protein change: p.Gln270Ter; replaces glutamine 270 with a stop codon.
Molecular consequence: nonsense. On other transcripts: 3 prime UTR variant (3).
Genome position (GRCh38, 1-based): chr12:57,749,193, G>A on the plus strand (C>T on the coding strand, the complement: CDK4 is on the minus strand). VCF-style: chr12-57749193-G-A. GRCh37 (hg19) VCF-style: chr12-58142976-G-A.
Other names: c.*1903G>A (NM_001330168.2, NM_001330169.2, NM_005981.5); short protein forms Q270*.
Identifiers: ClinVar variation 3830865 (VCV003830865.2).

ClinVar aggregate classification (germline): Uncertain significance (1 of 4 stars; one submission).

Conditions:
Hereditary cancer-predisposing syndrome. Also called: Hereditary Cancer Syndrome; Hereditary neoplastic syndrome; Neoplastic Syndromes, Hereditary; Tumor predisposition. Identifiers: Orphanet 140162, MedGen C0027672, MeSH D009386, MONDO:0015356.

Submission:

Ambry Genetics
Classification: Uncertain significance for Hereditary cancer-predisposing syndrome. Last evaluated: 2026-08-03. Review status: criteria provided, single submitter. Criteria: Ambry Variant Classification Scheme 2023. Collection method: clinical testing. Allele origin: germline.
Comment: The p.Q270* variant (also known as c.808C>T), located in coding exon 6 of the CDK4 gene, results from a C to T substitution at nucleotide position 808. This changes the amino acid from a glutamine to a stop codon within coding exon 6. This variant occurs at the 3' terminus of the gene and is not expected to trigger nonsense-mediated mRNA decay. Based on the available evidence, the clinical significance of this variant remains unclear.